The following is an entry in ClinVar:

ClinVar aggregate classification (germline): Pathogenic (1 of 4 stars; one submission).

Conditions:
Primary ciliary dyskinesia 3. Identifiers: Orphanet 244, MedGen C1837618, MONDO:0012085, OMIM 608644.

Submission:

Myriad Genetics, Inc.
Classification: Pathogenic for Primary ciliary dyskinesia 3. Last evaluated: 2024-05-14. Review status: criteria provided, single submitter. Criteria: Myriad Autosomal Dominant, Autosomal Recessive and X-Linked Classification Criteria (2023). Collection method: clinical testing. Allele origin: unknown.
Comment: NM_001369.2(DNAH5):c.3479_3480ins8(I1160Mfs*23) is expected to be pathogenic in the context of primary ciliary dyskinesia, DNAH5-related. This variant is predicted to lead to an abnormal or absent protein product due to the creation of a premature termination codon in DNAH5, a gene where loss-of-function variants are known to be pathogenic. Please note: this variant was assessed in the context of healthy population screening.

NM_001369.3(DNAH5):c.3479_3480insGTCTCTTA (p.Ile1160fs)

Genes: DNAH5 (dynein axonemal heavy chain 5; minus strand), DNAH5-AS1 (DNAH5 antisense RNA 1; plus strand). Cytogenetic location: 5p15.2.
Variant type: Insertion.
Coding change: c.3479_3480insGTCTCTTA on transcript NM_001369.3 (MANE Select); coding-DNA positions 3479 to 3480, GTCTCTTA inserted.
Protein change: p.Ile1160fs; shifts the reading frame from isoleucine 1160.
Molecular consequence: frameshift variant.
Genome position: GRCh38 VCF-style: chr5-13871682-A-ATAAGAGAC. GRCh37 (hg19) VCF-style: chr5-13871791-A-ATAAGAGAC.
Other names: short protein forms I1160fs.
Identifiers: ClinVar variation 5010341 (VCV005010341.1).